The following is an entry in ClinVar:

ClinVar aggregate classification (germline): Uncertain significance (1 of 4 stars; one submission).

Submission:

Labcorp Genetics (formerly Invitae), Labcorp
Classification: Uncertain significance. Last evaluated: 2025-09-03. Review status: criteria provided, single submitter. Criteria: Invitae Variant Classification Sherloc (09022015). Collection method: clinical testing. Allele origin: germline.
Comment: This variant, c.4259_4260insGTT, results in the insertion of 1 amino acid(s) of the TET2 protein (p.Leu1420dup), but otherwise preserves the integrity of the reading frame. This variant is not present in population databases (gnomAD no frequency). This variant has not been reported in the literature in individuals affected with TET2-related conditions. Experimental studies and prediction algorithms are not available or were not evaluated, and the functional significance of this variant is currently unknown. In summary, the available evidence is currently insufficient to determine the role of this variant in disease. Therefore, it has been classified as a Variant of Uncertain Significance.

NM_001127208.3(TET2):c.4259_4260insGTT (p.Leu1420_Tyr1421insLeu)

Genes: TET2 (tet methylcytosine dioxygenase 2; plus strand), TET2-AS1 (TET2 antisense RNA 1; minus strand). Cytogenetic location: 4q24.
Variant type: Insertion.
Coding change: c.4259_4260insGTT on transcript NM_001127208.3 (MANE Select); coding-DNA positions 4259 to 4260, GTT inserted.
Protein change: p.Leu1420_Tyr1421insLeu.
Molecular consequence: inframe insertion.
Genome position: GRCh38 VCF-style: chr4-105272638-T-TTTG. GRCh37 (hg19) VCF-style: chr4-106193795-T-TTTG.
Identifiers: ClinVar variation 4726585 (VCV004726585.1).